The following is an entry in ClinVar:

ClinVar aggregate classification (germline): Uncertain significance (1 of 4 stars; one submission).

Conditions:
Microcephaly, normal intelligence and immunodeficiency (NBS). Also called: BERLIN BREAKAGE SYNDROME; Nijmegen breakage syndrome; Microcephaly with normal intelligence immunodeficiency and lymphoreticular malignancies; Nonsyndromal microcephaly autosomal recessive with normal intelligence; Seemanova syndrome 2; IMMUNODEFICIENCY, MICROCEPHALY, AND CHROMOSOMAL INSTABILITY. Identifiers: Orphanet 647, MedGen C0398791, MONDO:0009623, OMIM 251260.

Submission:

Labcorp Genetics (formerly Invitae), Labcorp
Classification: Uncertain significance for Microcephaly, normal intelligence and immunodeficiency. Last evaluated: 2022-09-10. Review status: criteria provided, single submitter. Criteria: Invitae Variant Classification Sherloc (09022015). Collection method: clinical testing. Allele origin: germline.
Comment: Algorithms developed to predict the effect of missense changes on protein structure and function are either unavailable or do not agree on the potential impact of this missense change (SIFT: "Tolerated"; PolyPhen-2: "Possibly Damaging"; Align-GVGD: "Class C0"). In summary, the available evidence is currently insufficient to determine the role of this variant in disease. Therefore, it has been classified as a Variant of Uncertain Significance. ClinVar contains an entry for this variant (Variation ID: 1489427). This variant has not been reported in the literature in individuals affected with NBN-related conditions. This variant is not present in population databases (gnomAD no frequency). This sequence change replaces serine, which is neutral and polar, with proline, which is neutral and non-polar, at codon 480 of the NBN protein (p.Ser480Pro).

NM_002485.5(NBN):c.1438T>C (p.Ser480Pro)

Gene: NBN (nibrin; minus strand). Cytogenetic location: 8q21.3.
Variant type: single nucleotide variant.
Coding change: c.1438T>C on transcript NM_002485.5 (MANE Select); coding-DNA position 1438, T replaced by C.
Protein change: p.Ser480Pro; replaces serine 480 with proline.
Molecular consequence: missense variant.
Genome position (GRCh38, 1-based): chr8:89,953,651, A>G on the plus strand (T>C on the coding strand, the complement: NBN is on the minus strand). VCF-style: chr8-89953651-A-G. GRCh37 (hg19) VCF-style: chr8-90965879-A-G.
Other names: c.1192T>C, p.Ser398Pro (NM_001024688.3); short protein forms S480P, S398P.
Identifiers: ClinVar variation 1489427 (VCV001489427.8), dbSNP rs2129703628, ClinGen allele CA371655848.